The following is an entry in ClinVar:

NM_000548.5(TSC2):c.2097+48G>T

Gene: TSC2 (TSC complex subunit 2; plus strand). Cytogenetic location: 16p13.3.
Variant type: single nucleotide variant.
Coding change: c.2097+48G>T on transcript NM_000548.5 (MANE Select); 48 bases into the intron after coding-DNA position 2097, G replaced by T.
Molecular consequence: intron variant.
Genome position (GRCh38, 1-based): chr16:2,071,982, G>T. VCF-style: chr16-2071982-G-T. GRCh37 (hg19) VCF-style: chr16-2121983-G-T.
Other names: c.2097+48G>T (NM_001114382.3, NM_021055.3, NM_001370405.1 and 3 more transcripts); c.1986+48G>T (NM_001318827.2); c.1497+48G>T (NM_001318831.2); c.1950+48G>T (NM_001318829.2); c.2130+48G>T (NM_001318832.2).
Identifiers: ClinVar variation 670876 (VCV000670876.1), dbSNP rs190309164, ClinGen allele CA036425.
Genomic context (GRCh38, chr16:2,071,982, plus strand): 5'-GTGCTTGAAGCAGGTGAGTGGGGCCGGGCAGGGACCATCCGTCCCACGTTGGGCCAGGAG[G>T]ACAGGGAGCTGCCACCTGCCTGCTGGGCCTCCCTCCCTGTCTGGCCTGTGGAGGGCAGCC-3'

ClinVar aggregate classification (germline): Likely benign (1 of 4 stars; one submission).

Allele frequency attached by ClinVar (database versions not stated): gnomAD exomes 0.00045 and 0.00114; ExAC 0.00239; ESP Exome Variant Server 0.00377; gnomAD 0.00411; TOPMed 0.00496; 1000 Genomes Project 30x 0.00562; 1000 Genomes Project 0.00579.
gnomAD v4.1: 1,318 of 1,530,476 alleles (0.086%); highest among the groups gnomAD compares: African/African-American, 1.6%; 15 homozygotes.

Submission:

GeneDx
Classification: Likely benign. Last evaluated: 2018-06-14. Review status: criteria provided, single submitter. Criteria: GeneDx Variant Classification (06012015). Collection method: clinical testing. Allele origin: germline. Affected: yes.
Comment: This variant is considered likely benign or benign based on one or more of the following criteria: it is a conservative change, it occurs at a poorly conserved position in the protein, it is predicted to be benign by multiple in silico algorithms, and/or has population frequency not consistent with disease.